The following is an entry in ClinVar:

NM_022081.6(HPS4):c.804-11_804-10del

Gene: HPS4 (HPS4 biogenesis of lysosomal organelles complex 3 subunit 2; minus strand). Cytogenetic location: 22q12.1.
Variant type: Deletion.
Coding change: c.804-11_804-10del on transcript NM_022081.6 (MANE Select); 11 bases into the intron before coding-DNA position 804 through 10 bases into the intron before coding-DNA position 804, 2 bases deleted (TT; older notation c.804-11_804-10delTT).
Molecular consequence: intron variant.
Genome position (GRCh38, 1-based): chr22:26,464,836-26,464,837, AA deleted on the plus strand (TT on the coding strand, the reverse complement: HPS4 is on the minus strand). VCF-style (leftmost placement, unchanged base first): chr22-26464835-CAA-C. GRCh37 (hg19) VCF-style: chr22-26860801-CAA-C.
Other names: c.804-11_804-10delTT (NM_022081.5); c.804-11_804-10del (NM_001349905.1, NM_001349904.2, NM_001349902.1 and 4 more transcripts); c.858-11_858-10del (NM_001349901.1, NM_001349900.2); c.789-11_789-10del (NM_152841.2).
Identifiers: ClinVar variation 1600650 (VCV001600650.10), dbSNP rs566166143, ClinGen allele CA10163467.

ClinVar aggregate classification (germline): Benign/Likely benign. Review status: criteria provided, multiple submitters, no conflicts (2 of 4 stars). 3 submissions from 3 submitters: Benign (1); Likely benign (2). Last evaluated 2026-01-27.

Conditions:
HPS4-related disorder. Also called: HPS4-related condition.

Allele frequency attached by ClinVar (database versions not stated): gnomAD 0.00013 and 0.00017; gnomAD exomes 0.00013 and 0.00032; TOPMed 0.00015; ExAC 0.00028; 1000 Genomes Project 0.00100.

Submissions (3):

Labcorp Genetics (formerly Invitae), Labcorp
Classification: Benign. Last evaluated: 2026-01-27. Review status: criteria provided, single submitter. Criteria: Invitae Variant Classification Sherloc (09022015). Collection method: clinical testing. Allele origin: germline.

PreventionGenetics, part of Exact Sciences
Classification: Likely benign for HPS4-related condition. Last evaluated: 2025-02-12. Review status: criteria provided, single submitter. Criteria: ACMG Guidelines, 2015. Collection method: clinical testing. Allele origin: germline.
Comment: This variant is classified as likely benign based on ACMG/AMP sequence variant interpretation guidelines (Richards et al. 2015 PMID: 25741868, with internal and published modifications).

Blueprint Genetics
Classification: Likely benign. Last evaluated: 2023-10-18. Review status: criteria provided, single submitter. Criteria: ACMG Guidelines, 2015. Collection method: clinical testing. Allele origin: germline.